The following is an entry in ClinVar:

ClinVar aggregate classification (germline): Uncertain significance. Review status: criteria provided, multiple submitters, no conflicts (2 of 4 stars). 2 submissions from 2 submitters: Uncertain significance (2). Last evaluated 2025-12-26.

Conditions:
Inborn genetic diseases. Identifiers: MedGen C0950123, MeSH D030342.

gnomAD v4.1: 1 of 1,595,798 alleles (0.000063%); highest among the groups gnomAD compares: Non-Finnish European, 0.000085%; no homozygotes.

Submissions (2):

Labcorp Genetics (formerly Invitae), Labcorp
Classification: Uncertain significance. Last evaluated: 2025-12-26. Review status: criteria provided, single submitter. Criteria: Invitae Variant Classification Sherloc (09022015). Collection method: clinical testing. Allele origin: germline.
Comment: This sequence change replaces arginine, which is basic and polar, with cysteine, which is neutral and slightly polar, at codon 649 of the MAPK8IP3 protein (p.Arg649Cys). This variant is not present in population databases (gnomAD no frequency). This variant has not been reported in the literature in individuals affected with MAPK8IP3-related conditions. An algorithm developed to predict the effect of missense changes on protein structure and function (PolyPhen-2) suggests that this variant is likely to be disruptive. In summary, the available evidence is currently insufficient to determine the role of this variant in disease. Therefore, it has been classified as a Variant of Uncertain Significance.

Ambry Genetics
Classification: Uncertain significance for Inborn genetic diseases. Last evaluated: 2025-12-11. Review status: criteria provided, single submitter. Criteria: Ambry Variant Classification Scheme 2023. Collection method: clinical testing. Allele origin: germline.

NM_001318852.2(MAPK8IP3):c.1966C>T (p.Arg656Cys)

Gene: MAPK8IP3 (mitogen-activated protein kinase 8 interacting protein 3; plus strand). Cytogenetic location: 16p13.3.
Variant type: single nucleotide variant.
Coding change: c.1966C>T on transcript NM_001318852.2 (MANE Select); coding-DNA position 1966, C replaced by T.
Protein change: p.Arg656Cys; replaces arginine 656 with cysteine.
Molecular consequence: missense variant.
Genome position (GRCh38, 1-based): chr16:1,763,724, C>T. VCF-style: chr16-1763724-C-T. GRCh37 (hg19) VCF-style: chr16-1813725-C-T.
Other names: c.1945C>T, p.Arg649Cys (NM_001040439.2); c.1963C>T, p.Arg655Cys (NM_015133.5); short protein forms R649C, R656C, R655C.
Identifiers: ClinVar variation 4624288 (VCV004624288.2).